The following is an entry in ClinVar:

NM_005912.3(MC4R):c.862C>T (p.Leu288Phe)

Gene: MC4R (melanocortin 4 receptor; minus strand). Cytogenetic location: 18q21.32.
Variant type: single nucleotide variant.
Coding change: c.862C>T on transcript NM_005912.3 (MANE Select); coding-DNA position 862, C replaced by T.
Protein change: p.Leu288Phe; replaces leucine 288 with phenylalanine.
Molecular consequence: missense variant.
Genome position (GRCh38, 1-based): chr18:60,371,488, G>A on the plus strand (C>T on the coding strand, the complement: MC4R is on the minus strand). VCF-style: chr18-60371488-G-A. GRCh37 (hg19) VCF-style: chr18-58038721-G-A.
Other names: short protein forms L288F.
Identifiers: ClinVar variation 2798900 (VCV002798900.3), dbSNP rs2511560041, ClinGen allele CA402718913.

ClinVar aggregate classification (germline): Uncertain significance (1 of 4 stars; one submission).

Submission:

Labcorp Genetics (formerly Invitae), Labcorp
Classification: Uncertain significance. Last evaluated: 2025-11-23. Review status: criteria provided, single submitter. Criteria: Invitae Variant Classification Sherloc (09022015). Collection method: clinical testing. Allele origin: germline.
Comment: This sequence change replaces leucine, which is neutral and non-polar, with phenylalanine, which is neutral and non-polar, at codon 288 of the MC4R protein (p.Leu288Phe). This variant is not present in population databases (gnomAD no frequency). This variant has not been reported in the literature in individuals affected with MC4R-related conditions. ClinVar contains an entry for this variant (Variation ID: 2798900). Invitae Evidence Modeling of protein sequence and biophysical properties (such as structural, functional, and spatial information, amino acid conservation, physicochemical variation, residue mobility, and thermodynamic stability) indicates that this missense variant is not expected to disrupt MC4R protein function with a negative predictive value of 80%. In summary, the available evidence is currently insufficient to determine the role of this variant in disease. Therefore, it has been classified as a Variant of Uncertain Significance.